The following is an entry in ClinVar:

NM_015846.4(MBD1):c.*204C>T

Gene: MBD1 (methyl-CpG binding domain protein 1; minus strand). Cytogenetic location: 18q21.1.
Variant type: single nucleotide variant.
Coding change: c.*204C>T on transcript NM_015846.4 (MANE Select); 204 bases downstream of the stop codon, C replaced by T.
Molecular consequence: 3 prime UTR variant. On other transcripts: synonymous variant (29), intron variant (23).
Genome position (GRCh38, 1-based): chr18:50,269,647, G>A on the plus strand (C>T on the coding strand, the complement: MBD1 is on the minus strand). VCF-style: chr18-50269647-G-A. GRCh37 (hg19) VCF-style: chr18-47796017-G-A.
Other names: c.1950C>T, p.Cys650= (NM_001204136.2); c.*1854C>T (NM_001204137.2, NM_001204138.2, NM_001204140.2); c.*364C>T (NM_001204142.2); c.*29C>T (NM_001204143.2, NM_001388144.1, NM_001388145.1 and 20 more transcripts); c.*301C>T (NM_001204151.3, NM_001399898.1, NM_001399899.1 and 3 more transcripts); c.2025C>T, p.Cys675= (NM_001323942.2); c.1980C>T, p.Cys660= (NM_001323947.2); c.*192C>T (NM_001323949.2, NM_001399897.1); and 50 more.
Identifiers: ClinVar variation 3060893 (VCV003060893.2), dbSNP rs72923678, ClinGen allele CA8962593.

ClinVar aggregate classification (germline): Benign (0 of 4 stars; one submission).

Conditions:
MBD1-related disorder. Also called: MBD1-related condition.

Allele frequency attached by ClinVar (database versions not stated): 1000 Genomes Project 0.00100; 1000 Genomes Project 30x 0.00109; TOPMed 0.00435; ESP Exome Variant Server 0.00646; ExAC 0.01082.
gnomAD v4.1: 4,124 of 745,532 alleles (0.55%); highest among the groups gnomAD compares: Non-Finnish European, 0.82%; 21 homozygotes.

Submission:

PreventionGenetics, part of Exact Sciences
Classification: Benign for MBD1-related condition. Last evaluated: 2019-07-12. Review status: no assertion criteria provided. Collection method: clinical testing. Allele origin: germline.
Comment: This variant is classified as benign based on ACMG/AMP sequence variant interpretation guidelines (Richards et al. 2015 PMID: 25741868, with internal and published modifications).